The following is an entry in ClinVar:

NM_006796.3(AFG3L2):c.688C>G (p.Gln230Glu)

Gene: AFG3L2 (AFG3 like matrix AAA peptidase subunit 2; minus strand). Cytogenetic location: 18p11.21.
Variant type: single nucleotide variant.
Coding change: c.688C>G on transcript NM_006796.3 (MANE Select); coding-DNA position 688, C replaced by G.
Protein change: p.Gln230Glu; replaces glutamine 230 with glutamic acid.
Molecular consequence: missense variant.
Genome position (GRCh38, 1-based): chr18:12,359,991, G>C on the plus strand (C>G on the coding strand, the complement: AFG3L2 is on the minus strand). VCF-style: chr18-12359991-G-C. GRCh37 (hg19) VCF-style: chr18-12359990-G-C.
Other names: short protein forms Q230E.
Identifiers: ClinVar variation 3371872 (VCV003371872.1).

ClinVar aggregate classification (germline): Uncertain significance (1 of 4 stars; one submission).

Submission:

GeneDx
Classification: Uncertain significance. Last evaluated: 2024-04-02. Review status: criteria provided, single submitter. Criteria: GeneDx Variant Classification Process June 2021. Collection method: clinical testing. Allele origin: germline. Affected: yes.
Comment: Not observed at significant frequency in large population cohorts (gnomAD); In silico analysis supports that this missense variant has a deleterious effect on protein structure/function; Has not been previously published as pathogenic or benign to our knowledge